The following is an entry in ClinVar:

NM_001375524.1(TRRAP):c.11366G>C (p.Arg3789Pro)

Gene: TRRAP (transformation/transcription domain associated protein; plus strand). Cytogenetic location: 7q22.1.
Variant type: single nucleotide variant.
Coding change: c.11366G>C on transcript NM_001375524.1 (MANE Select); coding-DNA position 11366, G replaced by C.
Protein change: p.Arg3789Pro; replaces arginine 3789 with proline.
Molecular consequence: missense variant.
Genome position (GRCh38, 1-based): chr7:99,012,099, G>C. VCF-style: chr7-99012099-G-C. GRCh37 (hg19) VCF-style: chr7-98609722-G-C.
Other names: c.11324G>C, p.Arg3775Pro (NM_001244580.2); c.11237G>C, p.Arg3746Pro (NM_003496.4); short protein forms R3746P, R3789P, R3775P.
Identifiers: ClinVar variation 3666310 (VCV003666310.2).

ClinVar aggregate classification (germline): Uncertain significance (1 of 4 stars; one submission).

Submission:

Labcorp Genetics (formerly Invitae), Labcorp
Classification: Uncertain significance. Last evaluated: 2025-02-06. Review status: criteria provided, single submitter. Criteria: Invitae Variant Classification Sherloc (09022015). Collection method: clinical testing. Allele origin: germline.
Comment: This sequence change replaces arginine, which is basic and polar, with proline, which is neutral and non-polar, at codon 3746 of the TRRAP protein (p.Arg3746Pro). This variant is not present in population databases (gnomAD no frequency). This variant has not been reported in the literature in individuals affected with TRRAP-related conditions. Invitae Evidence Modeling of protein sequence and biophysical properties (such as structural, functional, and spatial information, amino acid conservation, physicochemical variation, residue mobility, and thermodynamic stability) indicates that this missense variant is expected to disrupt TRRAP protein function with a positive predictive value of 80%. In summary, the available evidence is currently insufficient to determine the role of this variant in disease. Therefore, it has been classified as a Variant of Uncertain Significance.